The following is an entry in ClinVar:

NM_000054.7(AVPR2):c.174G>A (p.Val58=)

Gene: AVPR2 (arginine vasopressin receptor 2; plus strand). Cytogenetic location: Xq28.
Variant type: single nucleotide variant.
Coding change: c.174G>A on transcript NM_000054.7 (MANE Select); coding-DNA position 174, G replaced by A.
Protein change: p.Val58=; no amino-acid change (valine 58 retained).
Molecular consequence: synonymous variant.
Genome position (GRCh38, 1-based): chrX:153,905,680, G>A. VCF-style: chrX-153905680-G-A. GRCh37 (hg19) VCF-style: chrX-153171134-G-A.
Other names: c.174G>A, p.Val58= (NM_001146151.3).
Identifiers: ClinVar variation 368073 (VCV000368073.9), dbSNP rs201810684, ClinGen allele CA10554960.

ClinVar aggregate classification (germline): Benign. Review status: criteria provided, multiple submitters, no conflicts (2 of 4 stars). 2 submissions from 2 submitters: Benign (2). Last evaluated 2026-01-24.

Conditions:
Diabetes insipidus, nephrogenic, X-linked. Also called: Nephrogenic Diabetes Insipidus, Type I. Identifiers: Orphanet 223, MedGen C1563705, MONDO:0010581, OMIM 304800.

Allele frequency attached by ClinVar (database versions not stated): gnomAD exomes 0.00052 and 0.00137; ESP Exome Variant Server 0.00076; gnomAD 0.00108 and 0.00109; ExAC 0.00114; TOPMed 0.00131.
gnomAD v4.1: 753 of 1,210,574 alleles (0.062%); highest among the groups gnomAD compares: Admixed American, 0.18%; 3 homozygotes.

Submissions (2):

Labcorp Genetics (formerly Invitae), Labcorp
Classification: Benign. Last evaluated: 2026-01-24. Review status: criteria provided, single submitter. Criteria: Invitae Variant Classification Sherloc (09022015). Collection method: clinical testing. Allele origin: germline.

Illumina Laboratory Services, Illumina
Classification: Benign for Diabetes insipidus, nephrogenic, X-linked. Last evaluated: 2018-01-13. Review status: criteria provided, single submitter. Criteria: ICSL Variant Classification Criteria 13 December 2019. Collection method: clinical testing. Allele origin: germline.
Comment: This variant was observed in the ICSL laboratory as part of a predisposition screen in an ostensibly healthy population. It had not been previously curated by ICSL or reported in the Human Gene Mutation Database (HGMD: prior to June 1st, 2018), and was therefore a candidate for classification through an automated scoring system. Utilizing variant allele frequency, disease prevalence and penetrance estimates, and inheritance mode, an automated score was calculated to assess if this variant is too frequent to cause the disease. Based on the score and internal cut-off values, a variant classified as benign is not then subjected to further curation. The score for this variant resulted in a classification of benign for this disease.